The following is an entry in ClinVar:

ClinVar aggregate classification (germline): Benign. Review status: criteria provided, multiple submitters, no conflicts (2 of 4 stars). 3 submissions from 3 submitters: Benign (3). Last evaluated 2026-01-04.

Conditions:
DST-related disorder. Also called: DST-related disorders; DST-related condition.
Epidermolysis bullosa simplex 3, localized or generalized intermediate, with BP230 deficiency (EBS3). Also called: Epidermolysis bullosa simplex due to BP230 deficiency; Epidermolysis bullosa simplex, autosomal recessive 2. Identifiers: Orphanet 412181, MedGen C3809470, MONDO:0014180, OMIM 615425.
Hereditary sensory and autonomic neuropathy type 6. Also called: HSAN VI; Neuropathy, hereditary sensory and autonomic, type VI. Identifiers: Orphanet 314381, MedGen C3539003, MONDO:0013839, OMIM 614653.

Allele frequency attached by ClinVar (database versions not stated): 1000 Genomes Project 30x 0.00593; gnomAD 0.00593 and 0.00635; TOPMed 0.00615; 1000 Genomes Project 0.00699; ESP Exome Variant Server 0.00723.
gnomAD v4.1: 1,710 of 1,614,132 alleles (0.11%); highest among the groups gnomAD compares: African/African-American, 2%; 9 homozygotes.

Submissions (3):

Labcorp Genetics (formerly Invitae), Labcorp
Classification: Benign for Epidermolysis bullosa simplex 3, localized or generalized intermediate, with BP230 deficiency; Hereditary sensory and autonomic neuropathy type 6. Last evaluated: 2026-01-04. Review status: criteria provided, single submitter. Criteria: Invitae Variant Classification Sherloc (09022015). Collection method: clinical testing. Allele origin: germline.

PreventionGenetics, part of Exact Sciences
Classification: Benign for DST-related condition. Last evaluated: 2025-04-03. Review status: criteria provided, single submitter. Criteria: ACMG Guidelines, 2015. Collection method: clinical testing. Allele origin: germline.
Comment: This variant is classified as benign based on ACMG/AMP sequence variant interpretation guidelines (Richards et al. 2015 PMID: 25741868, with internal and published modifications).

Mayo Clinic Laboratories, Mayo Clinic
Classification: Benign. Last evaluated: 2023-06-05. Review status: criteria provided, single submitter. Criteria: ACMG Guidelines, 2015. Collection method: clinical testing. Allele origin: germline. Observed: 5 variant alleles.

NM_001374736.1(DST):c.2520A>C (p.Ser840=)

Gene: DST (dystonin; minus strand). Cytogenetic location: 6p12.1.
Variant type: single nucleotide variant.
Coding change: c.2520A>C on transcript NM_001374736.1 (MANE Select); coding-DNA position 2520, A replaced by C.
Protein change: p.Ser840=; no amino-acid change (serine 840 retained).
Molecular consequence: synonymous variant.
Genome position (GRCh38, 1-based): chr6:56,640,028, T>G on the plus strand (A>C on the coding strand, the complement: DST is on the minus strand). VCF-style: chr6-56640028-T-G. GRCh37 (hg19) VCF-style: chr6-56504826-T-G.
Other names: p.Ser303=; c.2421A>C, p.Ser807= (NM_001144769.5); c.2007A>C, p.Ser669= (NM_001144770.2); c.2520A>C, p.Ser840= (NM_001374722.1); c.1887A>C, p.Ser629= (NM_001374729.1, NM_001374730.1, NM_001386100.1 and 1 more transcripts); c.2547A>C, p.Ser849= (NM_001374734.1); c.909A>C, p.Ser303= (NM_001723.7, NM_015548.5).
Identifiers: ClinVar variation 357613 (VCV000357613.17), dbSNP rs139336917, ClinGen allele CA3871398.